The following is an entry in ClinVar:

ClinVar aggregate classification (germline): Uncertain significance (1 of 4 stars; one submission).

Allele frequency attached by ClinVar (database versions not stated): ExAC 0.00001; gnomAD 0.00001; 1000 Genomes Project 30x 0.00016; 1000 Genomes Project 0.00020.
gnomAD v4.1: 2 of 1,614,068 alleles (0.00012%); highest among the groups gnomAD compares: Admixed American, 0.0017%; no homozygotes.

Submission:

GeneDx
Classification: Uncertain significance. Last evaluated: 2017-10-26. Review status: criteria provided, single submitter. Criteria: GeneDx Variant Classification (06012015). Collection method: clinical testing. Allele origin: germline. Affected: yes.
Comment: A variant of uncertain significance has been identified in the ATP6V0A2 gene. The R260K variant has not been published as pathogenic or been reported as benign to our knowledge. This variant is not observed at a significant frequency in large population cohorts (Lek et al., 2016). Nevertheless, the R260K variant is a conservative amino acid substitution, which is not likely to impact secondary protein structure as these residues share similar properties. Moreover, this substitution occurs at a position that is not conserved across species. Finally, in silico analysis predicts this variant likely does not alter the protein structure/function. Therefore, additional evidence is needed to clarify the pathogenicity of this variant.

NM_012463.4(ATP6V0A2):c.779G>A (p.Arg260Lys)

Gene: ATP6V0A2 (ATPase H+ transporting V0 subunit a2; plus strand). Cytogenetic location: 12q24.31.
Variant type: single nucleotide variant.
Coding change: c.779G>A on transcript NM_012463.4 (MANE Select); coding-DNA position 779, G replaced by A.
Protein change: p.Arg260Lys; replaces arginine 260 with lysine.
Molecular consequence: missense variant.
Genome position (GRCh38, 1-based): chr12:123,735,578, G>A. VCF-style: chr12-123735578-G-A. GRCh37 (hg19) VCF-style: chr12-124220125-G-A.
Other names: short protein forms R260K.
Identifiers: ClinVar variation 452937 (VCV000452937.2), dbSNP rs199578524, ClinGen allele CA6861734.